The following is an entry in ClinVar:

NM_001197104.2(KMT2A):c.11201T>C (p.Ile3734Thr)

Genes: KMT2A (lysine methyltransferase 2A; plus strand), TTC36-AS1 (TTC36 and KMT2A antisense RNA 1; minus strand). Cytogenetic location: 11q23.3.
Variant type: single nucleotide variant.
Coding change: c.11201T>C on transcript NM_001197104.2 (MANE Select); coding-DNA position 11201, T replaced by C.
Protein change: p.Ile3734Thr; replaces isoleucine 3734 with threonine.
Molecular consequence: missense variant. On other transcripts: non-coding transcript variant (4).
Genome position (GRCh38, 1-based): chr11:118,519,672, T>C. VCF-style: chr11-118519672-T-C. GRCh37 (hg19) VCF-style: chr11-118390387-T-C.
Other names: c.11201T>C (NM_001197104.1); c.11192T>C, p.Ile3731Thr (NM_005933.4); short protein forms I3734T, I3731T.
Identifiers: ClinVar variation 1477278 (VCV001477278.9), dbSNP rs782291827, ClinGen allele CA6304930.
Genomic context (GRCh38, chr11:118,519,672, plus strand): 5'-TTCTAGGTGTTAACGGTTTGAGGATGCTGGGGATTCTCCATGATGCAGTTGTGTTCCTCA[T>C]TGAGCAGCTGTCTGGTGCCAAGCACTGTCGAAATTACAAATTCCGTTTCCACAAGCCAGA-3'
Protein context (NP_001184033.1, residues 3724-3744): GILHDAVVFL[Ile3734Thr]EQLSGAKHCR

ClinVar aggregate classification (germline): Conflicting classifications of pathogenicity. Review status: criteria provided, conflicting classifications (1 of 4 stars). 2 submissions from 2 submitters: Uncertain significance (1); Likely benign (1). Last evaluated 2025-03-13.

Conditions:
Inborn genetic diseases. Identifiers: MedGen C0950123, MeSH D030342.

Allele frequency attached by ClinVar (database versions not stated): ExAC 0.00001; TOPMed 0.00001; gnomAD exomes 0.00002 and 0.00004.
gnomAD v4.1: 10 of 1,614,180 alleles (0.00062%); highest among the groups gnomAD compares: Admixed American, 0.015%; no homozygotes.

Submissions (2):

Labcorp Genetics (formerly Invitae), Labcorp
Classification: Uncertain significance. Last evaluated: 2025-03-13. Review status: criteria provided, single submitter. Criteria: Invitae Variant Classification Sherloc (09022015). Collection method: clinical testing. Allele origin: germline.
Comment: This sequence change replaces isoleucine, which is neutral and non-polar, with threonine, which is neutral and polar, at codon 3734 of the KMT2A protein (p.Ile3734Thr). This variant is present in population databases (rs782291827, gnomAD 0.02%). This variant has not been reported in the literature in individuals affected with KMT2A-related conditions. ClinVar contains an entry for this variant (Variation ID: 1477278). Invitae Evidence Modeling of protein sequence and biophysical properties (such as structural, functional, and spatial information, amino acid conservation, physicochemical variation, residue mobility, and thermodynamic stability) indicates that this missense variant is not expected to disrupt KMT2A protein function with a negative predictive value of 95%. In summary, the available evidence is currently insufficient to determine the role of this variant in disease. Therefore, it has been classified as a Variant of Uncertain Significance.

Ambry Genetics
Classification: Likely benign for Inborn genetic diseases. Last evaluated: 2021-10-13. Review status: criteria provided, single submitter. Criteria: Ambry Variant Classification Scheme 2023. Collection method: clinical testing. Allele origin: germline.